The following is an entry in ClinVar:

ClinVar aggregate classification (germline): Benign (0 of 4 stars; one submission).

Conditions:
PITRM1-related disorder. Also called: PITRM1-related condition.

Allele frequency attached by ClinVar (database versions not stated): ExAC 0.00512; 1000 Genomes Project 0.00599; 1000 Genomes Project 30x 0.00609; gnomAD 0.00752; TOPMed 0.00833.
gnomAD v4.1: 2,320 of 456,254 alleles (0.51%); highest among the groups gnomAD compares: Middle Eastern, 2%; 16 homozygotes.

Submission:

PreventionGenetics, part of Exact Sciences
Classification: Benign for PITRM1-related condition. Last evaluated: 2019-11-26. Review status: no assertion criteria provided. Collection method: clinical testing. Allele origin: germline.
Comment: This variant is classified as benign based on ACMG/AMP sequence variant interpretation guidelines (Richards et al. 2015 PMID: 25741868, with internal and published modifications).

NM_014889.4(PITRM1):c.56+545C>G

Gene: PITRM1 (pitrilysin metallopeptidase 1; minus strand). Cytogenetic location: 10p15.2.
Variant type: single nucleotide variant.
Coding change: c.56+545C>G on transcript NM_014889.4 (MANE Select); 545 bases into the intron after coding-DNA position 56, C replaced by G.
Molecular consequence: intron variant.
Genome position (GRCh38, 1-based): chr10:3,172,172, G>C on the plus strand (C>G on the coding strand, the complement: PITRM1 is on the minus strand). VCF-style: chr10-3172172-G-C. GRCh37 (hg19) VCF-style: chr10-3214364-G-C.
Other names: c.32+10C>G (NM_001347730.1, NM_001347729.1); c.63+545C>G (NM_001242309.1); c.-516+545C>G (NM_001347726.2, NM_001347727.2); c.-1245+545C>G (NM_001347728.2); c.56+545C>G (NM_001347725.2, NM_001242307.2).
Identifiers: ClinVar variation 3041629 (VCV003041629.2), dbSNP rs141945002, ClinGen allele CA5388361.